The following is an entry in ClinVar:

ClinVar aggregate classification (germline): Pathogenic (0 of 4 stars; one submission).

Conditions:
Autosomal recessive nonsyndromic hearing loss 9. Also called: NEUROSENSORY NONSYNDROMIC RECESSIVE DEAFNESS 9; OTOF-Related Hearing Loss; Deafness, autosomal recessive 9; AUDITORY NEUROPATHY, AUTOSOMAL RECESSIVE, 1, TEMPERATURE-SENSITIVE. Identifiers: Orphanet 90636, MedGen C1832828, MONDO:0010986, OMIM 601071.

Submission:

Diagnosis and Treatment Center of Genetic Hearing Loss, Eye & ENT Hospital of Fudan University
Classification: Pathogenic for Autosomal recessive nonsyndromic hearing loss 9. Last evaluated: 2026-02-04. Review status: no assertion criteria provided. Collection method: clinical testing. Allele origin: germline. Inheritance: Autosomal recessive inheritance. Affected: yes.
Comment: The c.1689_1690del frameshift variant in OTOF leads to a premature stop codon and predicted NMD (PVS1). It is absent from population databases (PM2_Supporting). It was detected in trans with pathogenic c.3263del (PM3). The phenotype is consistent with auditory neuropathy (PP4).

NM_194248.3(OTOF):c.1689_1690del (p.Ser564fs)

Gene: OTOF (otoferlin; minus strand). Cytogenetic location: 2p23.3.
Variant type: Microsatellite.
Coding change: c.1689_1690del on transcript NM_194248.3 (MANE Select); coding-DNA positions 1689 to 1690, 2 bases deleted (GT; older notation c.1689_1690delGT).
Protein change: p.Ser564fs; shifts the reading frame from serine 564.
Molecular consequence: frameshift variant.
Genome position (GRCh38, 1-based): chr2:26,480,899-26,480,900, AC deleted on the plus strand (GT on the coding strand, the reverse complement: OTOF is on the minus strand); deleting any 2 consecutive bases within chr2:26,480,899-26,480,904 gives the same sequence; the c. name uses the placement nearest the transcript's 3' end. VCF-style (leftmost placement, unchanged base first): chr2-26480898-GAC-G. GRCh37 (hg19) VCF-style: chr2-26703766-GAC-G.
Other names: c.1689_1690del, p.Ser564fs (NM_001287489.2); short protein forms S564fs.
Identifiers: ClinVar variation 4879952 (VCV004879952.1).